The following is an entry in ClinVar:

ClinVar aggregate classification (germline): Uncertain significance. Review status: criteria provided, multiple submitters, no conflicts (2 of 4 stars). 4 submissions from 4 submitters: Uncertain significance (3). 1 of the submissions does not count toward it. Last evaluated 2025-10-21.

Conditions:
ATM-related disorder. Also called: ATM-related disorders; ATM-related condition.
Hereditary cancer-predisposing syndrome. Also called: Hereditary Cancer Syndrome; Neoplastic Syndromes, Hereditary; Tumor predisposition; Hereditary neoplastic syndrome. Identifiers: Orphanet 140162, MedGen C0027672, MeSH D009386, MONDO:0015356.
Ataxia-telangiectasia syndrome (AT). Also called: Cerebello-oculocutaneous telangiectasia; Immunodeficiency with ataxia telangiectasia; Ataxia-telangiectasia, complementation group E; Ataxia-telangiectasia, complementation group D; AT, COMPLEMENTATION GROUP C; ATAXIA-TELANGIECTASIA, COMPLEMENTATION GROUP A. Identifiers: Orphanet 100, MedGen C0004135, MONDO:0008840, OMIM 208900.

Allele frequency attached by ClinVar (database versions not stated): gnomAD exomes below 0.00001.
gnomAD v4.1: 1 of 1,613,814 alleles (0.000062%); highest among the groups gnomAD compares: Non-Finnish European, 0.000085%; no homozygotes.

Submissions (4):

Labcorp Genetics (formerly Invitae), Labcorp
Classification: Uncertain significance for Ataxia-telangiectasia syndrome. Last evaluated: 2025-10-21. Review status: criteria provided, single submitter. Criteria: Invitae Variant Classification Sherloc (09022015). Collection method: clinical testing. Allele origin: germline.
Comment: This sequence change replaces glutamine, which is neutral and polar, with arginine, which is basic and polar, at codon 2066 of the ATM protein (p.Gln2066Arg). This variant is not present in population databases (gnomAD no frequency). This variant has not been reported in the literature in individuals affected with ATM-related conditions. ClinVar contains an entry for this variant (Variation ID: 579270). An algorithm developed to predict the effect of missense changes on protein structure and function (PolyPhen-2) suggests that this variant is likely to be tolerated. Algorithms developed to predict the effect of sequence changes on RNA splicing suggest that this variant may disrupt the consensus splice site. In summary, the available evidence is currently insufficient to determine the role of this variant in disease. Therefore, it has been classified as a Variant of Uncertain Significance.

Ambry Genetics
Classification: Uncertain significance for Hereditary cancer-predisposing syndrome. Last evaluated: 2025-07-29. Review status: criteria provided, single submitter. Criteria: Ambry Variant Classification Scheme 2023. Collection method: clinical testing. Allele origin: germline.
Comment: The p.Q2066R variant (also known as c.6197A>G), located in coding exon 41 of the ATM gene, results from an A to G substitution at nucleotide position 6197. The glutamine at codon 2066 is replaced by arginine, an amino acid with highly similar properties. This amino acid position is not well conserved in available vertebrate species. In addition, this alteration is predicted to be tolerated by in silico analysis. Based on the available evidence, the clinical significance of this variant remains unclear.

Color Diagnostics, LLC DBA Color Health
Classification: Uncertain significance for Hereditary cancer-predisposing syndrome. Last evaluated: 2018-12-05. Review status: criteria provided, single submitter. Criteria: ACMG Guidelines, 2015. Collection method: clinical testing. Allele origin: germline.

PreventionGenetics, part of Exact Sciences
Classification: Uncertain significance for ATM-related condition. Last evaluated: 2024-01-12. Review status: no assertion criteria provided. Collection method: clinical testing. Allele origin: germline. Not counted in ClinVar's aggregate classification.
Comment: The ATM c.6197A>G variant is predicted to result in the amino acid substitution p.Gln2066Arg. To our knowledge, this variant has not been reported in the literature or in a large population database, indicating this variant is rare. At this time, the clinical significance of this variant is uncertain due to the absence of conclusive functional and genetic evidence.

NM_000051.4(ATM):c.6197A>G (p.Gln2066Arg)

Genes: ATM (ATM serine/threonine kinase; plus strand), C11orf65 (chromosome 11 open reading frame 65; minus strand). Cytogenetic location: 11q22.3.
Variant type: single nucleotide variant.
Coding change: c.6197A>G on transcript NM_000051.4 (MANE Select); coding-DNA position 6197, A replaced by G.
Protein change: p.Gln2066Arg; replaces glutamine 2066 with arginine.
Molecular consequence: missense variant. On other transcripts: intron variant (2).
Genome position (GRCh38, 1-based): chr11:108,316,112, A>G. VCF-style: chr11-108316112-A-G. GRCh37 (hg19) VCF-style: chr11-108186839-A-G.
Other names: c.6197A>G, p.Gln2066Arg (NM_001351834.2); c.641-7041T>C (NM_001330368.2); c.*39-7041T>C (NM_001351110.2); short protein forms Q2066R.
Identifiers: ClinVar variation 579270 (VCV000579270.19), dbSNP rs1565500074, ClinGen allele CA382550809.
Genomic context (GRCh38, chr11:108,316,112, plus strand): 5'-TAGTAACATATGACCTCGAAACAGCAATCCCCTCATCAACACGCCAGGCAGGAATCATTC[A>G]GGTACATTTTTTCCCAGATTTGGTAAAGCCATCACTAGTGTAGTGCTGAGGTTATTTCAG-3'
Protein context (NP_000042.3, residues 2056-2076): PSSTRQAGII[Gln2066Arg]ALQNLGLCHI